The following is an entry in ClinVar:

NM_000128.4(F11):c.374A>G (p.Tyr125Cys)

Gene: F11 (coagulation factor XI; plus strand). Cytogenetic location: 4q35.2.
Variant type: single nucleotide variant.
Coding change: c.374A>G on transcript NM_000128.4 (MANE Select); coding-DNA position 374, A replaced by G.
Protein change: p.Tyr125Cys; replaces tyrosine 125 with cysteine.
Molecular consequence: missense variant.
Genome position (GRCh38, 1-based): chr4:186,274,164, A>G. VCF-style: chr4-186274164-A-G. GRCh37 (hg19) VCF-style: chr4-187195318-A-G.
Other names: c.374A>G, p.Tyr125Cys (NM_001354804.2); short protein forms Y125C.
Identifiers: ClinVar variation 551397 (VCV000551397.4), dbSNP rs1554082187, ClinGen allele CA358958500.
Genomic context (GRCh38, chr4:186,274,164, plus strand): 5'-TTTTATTTCCAGCTTGCAACAAAGACATTTATGTGGACCTAGACATGAAGGGCATAAACT[A>G]TAACAGCTCAGTTGCCAAGAGTGCTCAAGAATGCCAAGAAAGATGCACGGATGACGTCCA-3'
Protein context (NP_000119.1, residues 115-135): YVDLDMKGIN[Tyr125Cys]NSSVAKSAQE

ClinVar aggregate classification (germline): Uncertain significance. Review status: criteria provided, multiple submitters, no conflicts (2 of 4 stars). 3 submissions from 3 submitters: Uncertain significance (2). 1 of the submissions does not count toward it. Last evaluated 2025-02-05.

Conditions:
Hereditary factor XI deficiency disease. Also called: Congenital factor XI deficiency; PLASMA THROMBOPLASTIN ANTECEDENT DEFICIENCY; PTA DEFICIENCY; ROSENTHAL SYNDROME. Identifiers: Orphanet 329, MedGen C0015523, MeSH D005173, MONDO:0012897, OMIM 612416.

Allele frequency attached by ClinVar (database versions not stated): gnomAD exomes below 0.00001; TOPMed below 0.00001; gnomAD 0.00001.

Submissions (3):

Women's Health and Genetics/Laboratory Corporation of America, LabCorp
Classification: Uncertain significance. Last evaluated: 2025-02-05. Review status: criteria provided, single submitter. Criteria: LabCorp Variant Classification Summary - May 2015. Collection method: clinical testing. Allele origin: germline.
Comment: Variant summary: F11 c.374A>G (p.Tyr125Cys) results in a non-conservative amino acid change located in the second apple domain (IPR000177), which contains 6 conserved cysteines and three disulphide bonds. Five of five in-silico tools predict a damaging effect of the variant on protein function. The variant allele was found at a frequency of 3.7e-06 in 1607102 control chromosomes in the gnomAD database (v4.1 dataset). The available data on variant occurrences in the general population are insufficient to allow any conclusion about variant significance. c.374A>G has been reported in the literature in a heterozygous individual with mild FXI deficiency (Bicocchi_2013). A ClinVar submitter also reported the variant in affected(s) [Accession: SCV004013115.1], citing the GoldVariant database [PMID: 34355501]. In addition, the variant was also found in the UK Biobank in 2 carriers, however no phenotype details were provided (Stefanucci_2023). These data do not allow any conclusion about variant significance. To our knowledge, no experimental evidence demonstrating an impact on protein function has been reported. The following publications have been ascertained in the context of this evaluation (PMID: 23305485, 37647632). ClinVar contains an entry for this variant (Variation ID: 551397). Based on the evidence outlined above, the variant was classified as uncertain significance.

ISTH-SSC Genomics in Thrombosis and Hemostasis, KU Leuven, Center for Molecular and Vascular Biology
Classification: Uncertain significance for Hereditary factor XI deficiency disease. Review status: criteria provided, single submitter. Criteria: ACMG Guidelines, 2015. Collection method: clinical testing. Allele origin: germline. Affected: yes. Observed: 1 heterozygote.
Comment: Submitted to the GoldVariant database by Kathleen Freson, Center for Molecular and Vascular Biology

Counsyl
Classification: Uncertain significance for Hereditary factor XI deficiency disease. Last evaluated: 2017-04-06. Review status: no assertion criteria provided. Collection method: clinical testing. Allele origin: unknown. Not counted in ClinVar's aggregate classification.

Literature cited by the submitters: PubMed 23305485 (cited by Women's Health and Genetics/Laboratory Corporation of America, LabCorp and Counsyl); PubMed 37647632 (cited by Women's Health and Genetics/Laboratory Corporation of America, LabCorp).